The following is an entry in ClinVar:

ClinVar aggregate classification (germline): Uncertain significance (1 of 4 stars; one submission).

Allele frequency attached by ClinVar (database versions not stated): gnomAD exomes below 0.00001; ExAC 0.00002.
gnomAD v4.1: 1 of 1,515,332 alleles (0.000066%); highest among the groups gnomAD compares: East Asian, 0.0023%; no homozygotes.

Submission:

Labcorp Genetics (formerly Invitae), Labcorp
Classification: Uncertain significance. Last evaluated: 2022-07-14. Review status: criteria provided, single submitter. Criteria: Invitae Variant Classification Sherloc (09022015). Collection method: clinical testing. Allele origin: germline.
Comment: The frequency data for this variant in the population databases is considered unreliable, as metrics indicate poor data quality at this position in the gnomAD database. This sequence change replaces serine, which is neutral and polar, with asparagine, which is neutral and polar, at codon 546 of the SCLT1 protein (p.Ser546Asn). This variant has not been reported in the literature in individuals affected with SCLT1-related conditions. Algorithms developed to predict the effect of missense changes on protein structure and function are either unavailable or do not agree on the potential impact of this missense change (SIFT: "Deleterious"; PolyPhen-2: "Probably Damaging"; Align-GVGD: "Class C0"). In summary, the available evidence is currently insufficient to determine the role of this variant in disease. Therefore, it has been classified as a Variant of Uncertain Significance.

NM_144643.4(SCLT1):c.1637G>A (p.Ser546Asn)

Gene: SCLT1 (sodium channel and clathrin linker 1; minus strand). Cytogenetic location: 4q28.2.
Variant type: single nucleotide variant.
Coding change: c.1637G>A on transcript NM_144643.4 (MANE Select); coding-DNA position 1637, G replaced by A.
Protein change: p.Ser546Asn; replaces serine 546 with asparagine.
Molecular consequence: missense variant.
Genome position (GRCh38, 1-based): chr4:128,936,847, C>T on the plus strand (G>A on the coding strand, the complement: SCLT1 is on the minus strand). VCF-style: chr4-128936847-C-T. GRCh37 (hg19) VCF-style: chr4-129858002-C-T.
Other names: c.1444G>A, p.Val482Ile (NM_001410807.1); short protein forms S546N, V482I.
Identifiers: ClinVar variation 2017003 (VCV002017003.4), dbSNP rs751079883, ClinGen allele CA3079551.
Genomic context (GRCh38, chr4:128,936,847, plus strand): 5'-ATCTCTCTCAATTGAACTTCAAATCCACGTTCCTTTATTGAAAATTCATGTTCCATTGTA[C>T]TGATCTAAAGAATAAAATGAAAACGTATTTTCTTTTTCTTTTCTTATAGGTGCTATACAG-3'
Protein context (NP_653244.2, residues 536-556): EAQKKAKVKI[Ser546Asn]TMEHEFSIKE